The following is an entry in ClinVar:

ClinVar aggregate classification (germline): Uncertain significance. Review status: criteria provided, multiple submitters, no conflicts (2 of 4 stars). 2 submissions from 2 submitters: Uncertain significance (2). Last evaluated 2023-10-10.

Conditions:
Cardiovascular phenotype. Identifiers: MedGen CN230736.
Lethal congenital glycogen storage disease of heart. Also called: GLYCOGEN STORAGE DISEASE OF HEART; PHOSPHORYLASE KINASE DEFICIENCY OF HEART. Identifiers: Orphanet 439854, MedGen C1849813, MONDO:0009867, OMIM 261740.

Allele frequency attached by ClinVar (database versions not stated): gnomAD exomes below 0.00001; gnomAD 0.00001.
gnomAD v4.1: 4 of 1,613,842 alleles (0.00025%); highest among the groups gnomAD compares: Non-Finnish European, 0.00034%; no homozygotes.

Submissions (2):

Labcorp Genetics (formerly Invitae), Labcorp
Classification: Uncertain significance for Lethal congenital glycogen storage disease of heart. Last evaluated: 2023-10-10. Review status: criteria provided, single submitter. Criteria: Invitae Variant Classification Sherloc (09022015). Collection method: clinical testing. Allele origin: germline.
Comment: This sequence change replaces serine, which is neutral and polar, with glycine, which is neutral and non-polar, at codon 98 of the PRKAG2 protein (p.Ser98Gly). This variant is present in population databases (no rsID available, gnomAD 0.007%). This variant has not been reported in the literature in individuals affected with PRKAG2-related conditions. ClinVar contains an entry for this variant (Variation ID: 1009904). Advanced modeling of protein sequence and biophysical properties (such as structural, functional, and spatial information, amino acid conservation, physicochemical variation, residue mobility, and thermodynamic stability) performed at Invitae indicates that this missense variant is not expected to disrupt PRKAG2 protein function. In summary, the available evidence is currently insufficient to determine the role of this variant in disease. Therefore, it has been classified as a Variant of Uncertain Significance.

Ambry Genetics
Classification: Uncertain significance for Cardiovascular phenotype. Last evaluated: 2023-07-23. Review status: criteria provided, single submitter. Criteria: Ambry Variant Classification Scheme 2023. Collection method: clinical testing. Allele origin: germline.
Comment: The p.S98G variant (also known as c.292A>G), located in coding exon 3 of the PRKAG2 gene, results from an A to G substitution at nucleotide position 292. The serine at codon 98 is replaced by glycine, an amino acid with similar properties. This amino acid position is conserved. In addition, this alteration is predicted to be tolerated by in silico analysis. Since supporting evidence is limited at this time, the clinical significance of this alteration remains unclear.

NM_016203.4(PRKAG2):c.292A>G (p.Ser98Gly)

Gene: PRKAG2 (protein kinase AMP-activated non-catalytic subunit gamma 2; minus strand). Cytogenetic location: 7q36.1.
Variant type: single nucleotide variant.
Coding change: c.292A>G on transcript NM_016203.4 (MANE Select); coding-DNA position 292, A replaced by G.
Protein change: p.Ser98Gly; replaces serine 98 with glycine.
Molecular consequence: missense variant.
Genome position (GRCh38, 1-based): chr7:151,781,326, T>C on the plus strand (A>G on the coding strand, the complement: PRKAG2 is on the minus strand). VCF-style: chr7-151781326-T-C. GRCh37 (hg19) VCF-style: chr7-151478412-T-C.
Other names: c.160A>G, p.Ser54Gly (NM_001040633.2); c.292A>G (NM_016203.3); short protein forms S54G, S98G.
Identifiers: ClinVar variation 1009904 (VCV001009904.10), dbSNP rs1243030792, ClinGen allele CA370069735.